The following is an entry in ClinVar:

ClinVar aggregate classification (germline): Uncertain significance. Review status: criteria provided, multiple submitters, no conflicts (2 of 4 stars). 4 submissions from 4 submitters: Uncertain significance (3). 1 of the submissions does not count toward it. Last evaluated 2023-01-08.

Conditions:
Stargardt disease (FFM). Also called: Stargardt's disease; Fundus flavimaculatus. Identifiers: Orphanet 827, MedGen C0271093, MONDO:0019353.
PRPH2-related disorder. Also called: PRPH2-related condition; PRPH2-related disorders. Identifiers: MedGen CN239395.

Submissions (4):

Labcorp Genetics (formerly Invitae), Labcorp
Classification: Uncertain significance for PRPH2-related disorder. Last evaluated: 2023-01-08. Review status: criteria provided, single submitter. Criteria: Invitae Variant Classification Sherloc (09022015). Collection method: clinical testing. Allele origin: germline.
Comment: ClinVar contains an entry for this variant (Variation ID: 973709). In summary, the available evidence is currently insufficient to determine the role of this variant in disease. Therefore, it has been classified as a Variant of Uncertain Significance. Advanced modeling of protein sequence and biophysical properties (such as structural, functional, and spatial information, amino acid conservation, physicochemical variation, residue mobility, and thermodynamic stability) performed at Invitae indicates that this missense variant is expected to disrupt PRPH2 protein function. This missense change has been observed in individual(s) with PRPH2-related conditions (PMID: 32531846, 34411390). This variant is not present in population databases (gnomAD no frequency). This sequence change replaces leucine, which is neutral and non-polar, with proline, which is neutral and non-polar, at codon 205 of the PRPH2 protein (p.Leu205Pro).

NEI Ophthalmic Genomics Laboratory, National Institutes of Health
Classification: Uncertain significance for Stargardt disease. Last evaluated: 2020-01-07. Review status: criteria provided, single submitter. Criteria: ACMG Guidelines, 2015. Collection method: clinical testing. Allele origin: germline. Affected: yes.
Comment: The variant NM_000322.4:c.614T>C in the PRPH2 gene has not been reported to our knowledge . This variant is not listed in dbSNP and/or HGMD. It is absent in gnomAD browser. It is not enriched in the PRPH2 disease cohort. We invoked ACMG criteria [PM1, PM2, PP3] and classified NM_000322.4:c.614T>C in the PRPH2 gene as a Variant of Uncertain Significance.

GeneDx
Classification: Uncertain significance. Last evaluated: 2019-03-26. Review status: criteria provided, single submitter. Criteria: GeneDx Variant Classification Process June 2021. Collection method: clinical testing. Allele origin: germline. Affected: yes.
Comment: Not observed in large population cohorts (Lek et al., 2016); In silico analysis, which includes protein predictors and evolutionary conservation, supports a deleterious effect; Has not been previously published as pathogenic or benign to our knowledge; This variant is associated with the following publications: (PMID: 32531846)

Leiden Open Variation Database
Classification: Uncertain significance. Last evaluated: 2021-04-06. Review status: no assertion criteria provided. Collection method: curation. Allele origin: germline. Affected: yes. Not counted in ClinVar's aggregate classification.
Comment: Curator: Global Variome, with Curator vacancy. Submitter to LOVD: Manon Peeters.

Literature cited by the submitters: PubMed 32531846 (cited by Labcorp Genetics (formerly Invitae), Labcorp and Leiden Open Variation Database); PubMed 34411390 (cited by Labcorp Genetics (formerly Invitae), Labcorp).

NM_000322.5(PRPH2):c.614T>C (p.Leu205Pro)

Gene: PRPH2 (peripherin 2; minus strand). Cytogenetic location: 6p21.1.
Variant type: single nucleotide variant.
Coding change: c.614T>C on transcript NM_000322.5 (MANE Select); coding-DNA position 614, T replaced by C.
Protein change: p.Leu205Pro; replaces leucine 205 with proline.
Molecular consequence: missense variant.
Genome position (GRCh38, 1-based): chr6:42,704,579, A>G on the plus strand (T>C on the coding strand, the complement: PRPH2 is on the minus strand). VCF-style: chr6-42704579-A-G. GRCh37 (hg19) VCF-style: chr6-42672317-A-G.
Other names: short protein forms L205P.
Identifiers: ClinVar variation 973709 (VCV000973709.7), dbSNP rs1800117244, ClinGen allele CA364135712.
Genomic context (GRCh38, chr6:42,704,579, plus strand): 5'-TACTGGATGCAGGGCCGTGGCGAGCTAGGATTGCAGCAGCTGAAAGGGACGCCGTCCACC[A>G]GGTACCGCCCATCCACGTTGCTCTTGATTCGACTTAAAGGGAAACAGACAGCTGGAGATG-3'
Protein context (NP_000313.2, residues 195-215): RIKSNVDGRY[Leu205Pro]VDGVPFSCCN